The following is an entry in ClinVar:

NM_006852.6(TLK2):c.1859+16C>T

Gene: TLK2 (tousled like kinase 2; plus strand). Cytogenetic location: 17q23.2.
Variant type: single nucleotide variant.
Coding change: c.1859+16C>T on transcript NM_006852.6 (MANE Select); 16 bases into the intron after coding-DNA position 1859, C replaced by T.
Molecular consequence: intron variant.
Genome position (GRCh38, 1-based): chr17:62,602,196, C>T. VCF-style: chr17-62602196-C-T. GRCh37 (hg19) VCF-style: chr17-60679557-C-T.
Other names: c.1859+16C>T (NM_001375271.1, NM_001375270.1); c.1412+16C>T (NM_001375273.1, NM_001330418.3); c.1763+16C>T (NM_001375272.1, NM_001284363.1); c.1574+16C>T (NM_001411074.1); c.1925+16C>T (NM_001284333.3); c.1901+16C>T (NM_001375269.1).
Identifiers: ClinVar variation 2573555 (VCV002573555.1), dbSNP rs778940700, ClinGen allele CA985329388.

ClinVar aggregate classification (germline): Uncertain significance (1 of 4 stars; one submission).

Allele frequency attached by ClinVar (database versions not stated): gnomAD 0.00001; TOPMed 0.00003.
gnomAD v4.1: 3 of 1,611,164 alleles (0.00019%); highest among the groups gnomAD compares: Admixed American, 0.0017%; no homozygotes.

Submission:

Women's Health and Genetics/Laboratory Corporation of America, LabCorp
Classification: Uncertain significance. Last evaluated: 2023-06-19. Review status: criteria provided, single submitter. Criteria: LabCorp Variant Classification Summary - May 2015. Collection method: clinical testing. Allele origin: germline.
Comment: Variant summary: TLK2 c.1859+16C>T alters a nucleotide located close to a canonical splice site and therefore could affect mRNA splicing, leading to a significantly altered protein sequence. 4/4 computational tools predict no significant impact on normal splicing. However, these predictions have yet to be confirmed by functional studies. The variant was absent in 248202 control chromosomes. The available data on variant occurrences in the general population are insufficient to allow any conclusion about variant significance. To our knowledge, no occurrence of c.1859+16C>T in individuals affected with Intellectual Disability, Autosomal Dominant 57 and no experimental evidence demonstrating its impact on protein function have been reported. No clinical diagnostic laboratories have submitted clinical-significance assessments for this variant to ClinVar after 2014. Based on the evidence outlined above, the variant was classified as uncertain significance.